The following is an entry in ClinVar:

ClinVar aggregate classification (germline): Conflicting classifications of pathogenicity. Review status: criteria provided, conflicting classifications (1 of 4 stars). 3 submissions from 3 submitters: Uncertain significance (2); Likely benign (1). Last evaluated 2025-06-25.

Conditions:
Inborn genetic diseases. Identifiers: MedGen C0950123, MeSH D030342.
Dyskeratosis congenita, autosomal dominant 6 (DKCA6). Identifiers: Orphanet 3322, MedGen C4225284, MONDO:0014690, OMIM 616553.

Allele frequency attached by ClinVar (database versions not stated): TOPMed 0.00001.

Submissions (3):

Labcorp Genetics (formerly Invitae), Labcorp
Classification: Uncertain significance for Dyskeratosis congenita, autosomal dominant 6. Last evaluated: 2025-06-25. Review status: criteria provided, single submitter. Criteria: Invitae Variant Classification Sherloc (09022015). Collection method: clinical testing. Allele origin: germline.
Comment: This sequence change replaces proline, which is neutral and non-polar, with arginine, which is basic and polar, at codon 77 of the ACD protein (p.Pro77Arg). This variant is present in population databases (rs534010648, gnomAD 0.06%). This missense change has been observed in individual(s) with common variable immunodeficiency (PMID: 37944684). ClinVar contains an entry for this variant (Variation ID: 954610). An algorithm developed to predict the effect of missense changes on protein structure and function outputs the following: PolyPhen-2: "Benign". The arginine amino acid residue is found in multiple mammalian species, which suggests that this missense change does not adversely affect protein function. In summary, the available evidence is currently insufficient to determine the role of this variant in disease. Therefore, it has been classified as a Variant of Uncertain Significance.

Center for Genomic Medicine, Rigshospitalet, Copenhagen University Hospital
Classification: Likely benign. Last evaluated: 2025-03-04. Review status: criteria provided, single submitter. Criteria: ACMG Guidelines, 2015. Collection method: clinical testing. Allele origin: germline.

Ambry Genetics
Classification: Uncertain significance for Inborn genetic diseases. Last evaluated: 2021-10-21. Review status: criteria provided, single submitter. Criteria: Ambry Variant Classification Scheme 2023. Collection method: clinical testing. Allele origin: germline.
Comment: The p.P77R variant (also known as c.230C>G), located in coding exon 1 of the ACD gene, results from a C to G substitution at nucleotide position 230. The proline at codon 77 is replaced by arginine, an amino acid with dissimilar properties. This amino acid position is conserved. In addition, this alteration is predicted to be tolerated by in silico analysis. Since supporting evidence is limited at this time, the clinical significance of this alteration remains unclear.

Literature cited by the submitters: PubMed 37944684 (cited by Labcorp Genetics (formerly Invitae), Labcorp).

NM_001082486.2(ACD):c.-29C>G

Gene: ACD (ACD shelterin complex subunit and telomerase recruitment factor; minus strand). Cytogenetic location: 16q22.1.
Variant type: single nucleotide variant.
Coding change: c.-29C>G on transcript NM_001082486.2 (MANE Select); 29 bases upstream of the start codon, C replaced by G.
Molecular consequence: 5 prime UTR variant.
Genome position (GRCh38, 1-based): chr16:67,660,249, G>C on the plus strand (C>G on the coding strand, the complement: ACD is on the minus strand). VCF-style: chr16-67660249-G-C. GRCh37 (hg19) VCF-style: chr16-67694152-G-C.
Other names: c.-29C>G (NM_022914.3).
Identifiers: ClinVar variation 954610 (VCV000954610.13), dbSNP rs534010648, ClinGen allele CA8114860.